The following is an entry in ClinVar:

ClinVar aggregate classification (germline): Uncertain significance (1 of 4 stars; one submission).

Submission:

Ambry Genetics
Classification: Uncertain significance. Last evaluated: 2025-03-08. Review status: criteria provided, single submitter. Criteria: Ambry Variant Classification Scheme 2023. Collection method: clinical testing. Allele origin: germline.
Comment: The p.P1525Q variant (also known as c.4574C>A), located in coding exon 19 of the WNK2 gene, results from a C to A substitution at nucleotide position 4574. The proline at codon 1525 is replaced by glutamine, an amino acid with similar properties. This amino acid position is conserved. In addition, this alteration is predicted to be tolerated by in silico analysis. Based on the available evidence, the clinical significance of this variant remains unclear.

NM_006648.4(WNK2):c.4574C>A (p.Pro1525Gln)

Gene: WNK2 (WNK lysine deficient protein kinase 2; plus strand). Cytogenetic location: 9q22.31.
Variant type: single nucleotide variant.
Coding change: c.4574C>A on transcript NM_006648.4 (MANE Select); coding-DNA position 4574, C replaced by A.
Protein change: p.Pro1525Gln; replaces proline 1525 with glutamine.
Molecular consequence: missense variant.
Genome position (GRCh38, 1-based): chr9:93,289,328, C>A. VCF-style: chr9-93289328-C-A. GRCh37 (hg19) VCF-style: chr9-96051610-C-A.
Other names: c.4685C>A, p.Pro1562Gln (NM_001282394.3); short protein forms P1562Q, P1525Q.
Identifiers: ClinVar variation 3817245 (VCV003817245.1).